The following is an entry in ClinVar:

ClinVar aggregate classification (germline): Uncertain significance (1 of 4 stars; one submission).

gnomAD v4.1: 2 of 1,613,826 alleles (0.00012%); highest among the groups gnomAD compares: South Asian, 0.0011%; no homozygotes.

Submission:

Labcorp Genetics (formerly Invitae), Labcorp
Classification: Uncertain significance. Last evaluated: 2024-08-31. Review status: criteria provided, single submitter. Criteria: Invitae Variant Classification Sherloc (09022015). Collection method: clinical testing. Allele origin: germline.
Comment: This sequence change replaces aspartic acid, which is acidic and polar, with glycine, which is neutral and non-polar, at codon 1335 of the FN1 protein (p.Asp1335Gly). This variant is present in population databases (no rsID available, gnomAD 0.0009%). This variant has not been reported in the literature in individuals affected with FN1-related conditions. An algorithm developed to predict the effect of missense changes on protein structure and function (PolyPhen-2) suggests that this variant is likely to be tolerated. In summary, the available evidence is currently insufficient to determine the role of this variant in disease. Therefore, it has been classified as a Variant of Uncertain Significance.

NM_212482.4(FN1):c.4004A>G (p.Asp1335Gly)

Gene: FN1 (fibronectin 1; minus strand). Cytogenetic location: 2q35.
Variant type: single nucleotide variant.
Coding change: c.4004A>G on transcript NM_212482.4 (MANE Select); coding-DNA position 4004, A replaced by G.
Protein change: p.Asp1335Gly; replaces aspartic acid 1335 with glycine.
Molecular consequence: missense variant. On other transcripts: intron variant (10).
Genome position (GRCh38, 1-based): chr2:215,392,996, T>C on the plus strand (A>G on the coding strand, the complement: FN1 is on the minus strand). VCF-style: chr2-215392996-T-C. GRCh37 (hg19) VCF-style: chr2-216257719-T-C.
Other names: c.4004A>G, p.Asp1335Gly (NM_001306129.2, NM_001365519.2, NM_001365522.2 and 3 more transcripts); c.3797-1182A>G (NM_212474.3, NM_001306131.2, NM_212476.3 and 7 more transcripts); short protein forms D1335G.
Identifiers: ClinVar variation 3674405 (VCV003674405.2).